The following is an entry in ClinVar:

ClinVar aggregate classification (germline): Uncertain significance (1 of 4 stars; one submission).

Conditions:
Jeune thoracic dystrophy. Also called: Infantile thoracic dystrophy; Thoracic pelvic phalangeal dystrophy; Jeune's syndrome; Chondroectodermal dysplasia-like syndrome; Short-rib thoracic dysplasia; Jeune syndrome. Identifiers: Orphanet 474, MedGen C0265275, MONDO:0018770.

gnomAD v4.1: 17 of 1,589,814 alleles (0.0011%); highest among the groups gnomAD compares: African/African-American, 0.007%; no homozygotes.

Submission:

Labcorp Genetics (formerly Invitae), Labcorp
Classification: Uncertain significance for Jeune thoracic dystrophy. Last evaluated: 2025-11-06. Review status: criteria provided, single submitter. Criteria: Invitae Variant Classification Sherloc (09022015). Collection method: clinical testing. Allele origin: germline.
Comment: This sequence change replaces valine, which is neutral and non-polar, with isoleucine, which is neutral and non-polar, at codon 1193 of the DYNC2H1 protein (p.Val1193Ile). This variant is present in population databases (no rsID available, gnomAD 0.06%). This variant has not been reported in the literature in individuals affected with DYNC2H1-related conditions. Invitae Evidence Modeling of protein sequence and biophysical properties (such as structural, functional, and spatial information, amino acid conservation, physicochemical variation, residue mobility, and thermodynamic stability) indicates that this missense variant is not expected to disrupt DYNC2H1 protein function with a negative predictive value of 95%. In summary, the available evidence is currently insufficient to determine the role of this variant in disease. Therefore, it has been classified as a Variant of Uncertain Significance.

NM_001377.3(DYNC2H1):c.3577G>A (p.Val1193Ile)

Gene: DYNC2H1 (dynein cytoplasmic 2 heavy chain 1; plus strand). Cytogenetic location: 11q22.3.
Variant type: single nucleotide variant.
Coding change: c.3577G>A on transcript NM_001377.3 (MANE Select); coding-DNA position 3577, G replaced by A.
Protein change: p.Val1193Ile; replaces valine 1193 with isoleucine.
Molecular consequence: missense variant.
Genome position (GRCh38, 1-based): chr11:103,155,334, G>A. VCF-style: chr11-103155334-G-A. GRCh37 (hg19) VCF-style: chr11-103026063-G-A.
Other names: c.3577G>A, p.Val1193Ile (NM_001080463.2); short protein forms V1193I.
Identifiers: ClinVar variation 4754134 (VCV004754134.1).
Genomic context (GRCh38, chr11:103,155,334, plus strand): 5'-TGCTAATATATGTATATGTGTATACATATGACTTTTTCTTTTTTTTTTTTGTAACAGATC[G>A]TAATTCCTATCTTGAAATATGTGAGAGGGGAGCATCTTTCTCCAGATCACTGGCTTGACC-3'
Protein context (NP_001368.2, residues 1183-1203): LQSEVDKYKI[Val1193Ile]IPILKYVRGE